The following is an entry in ClinVar:

NM_005360.5(MAF):c.678CGG[5] (p.Gly236_Gly238del)

Gene: MAF (MAF bZIP transcription factor; minus strand). Cytogenetic location: 16q23.2.
Variant type: Microsatellite.
Coding change: c.678CGG[5] on transcript NM_005360.5 (MANE Select); five copies in a row of the 3-base unit CGG starting at c.678; the reference has eight copies in a row; three copies, 9 bases deleted.
Protein change: p.Gly236_Gly238del.
Molecular consequence: inframe deletion.
Genome position (GRCh38, 1-based): chr16:79,599,202-79,599,210, CCGCCGCCG deleted on the plus strand (CGGCGGCGG on the coding strand, the reverse complement: MAF is on the minus strand); deleting any 9 consecutive bases within chr16:79,599,202-79,599,227 gives the same sequence; the position shown is the placement nearest the transcript's 3' end. VCF-style (leftmost placement, unchanged base first): chr16-79599201-TCCGCCGCCG-T. GRCh37 (hg19) VCF-style: chr16-79633098-TCCGCCGCCG-T.
Other names: c.678CGG[5], p.Gly236_Gly238del (NM_001031804.3); c.693_701del9 (NM_005360.4).
Identifiers: ClinVar variation 2075189 (VCV002075189.14), dbSNP rs887468453, ClinGen allele CA624015127.

ClinVar aggregate classification (germline): Likely benign. Review status: criteria provided, multiple submitters, no conflicts (2 of 4 stars). 4 submissions from 4 submitters: Likely benign (4). Last evaluated 2026-07-01.

Conditions:
Cataract 21 multiple types. Also called: CATARACT 21, MULTIPLE TYPES, WITH OR WITHOUT MICROCORNEA; CATARACT 21, CERULEAN, WITH OR WITHOUT MICROCORNEA; CATARACT 21, MULTIPLE TYPES, WITH MICROCORNEA; Cataract, congenital, cerulean type, 4. Identifiers: Orphanet 91492, MedGen C1857768, MONDO:0012437, OMIM 610202.
Ayme-Gripp syndrome. Also called: Aymé-Gripp Syndrome. Identifiers: MedGen C1832812, MONDO:0010992, OMIM 601088.
MAF-related disorder. Also called: MAF-related condition.

Submissions (4):

CeGaT Center for Human Genetics Tuebingen
Classification: Likely benign. Last evaluated: 2026-07-01. Review status: criteria provided, single submitter. Criteria: CeGaT Center For Human Genetics Tuebingen Variant Classification Criteria Version 2. Collection method: clinical testing. Allele origin: germline. Affected: yes. Observed: 4 variant alleles.
Comment: MAF: BS1

PreventionGenetics, part of Exact Sciences
Classification: Likely benign for MAF-related condition. Last evaluated: 2025-11-10. Review status: criteria provided, single submitter. Criteria: ACMG Guidelines, 2015. Collection method: clinical testing. Allele origin: germline.
Comment: This variant is classified as likely benign based on ACMG/AMP sequence variant interpretation guidelines (Richards et al. 2015 PMID: 25741868, with internal and published modifications).

Labcorp Genetics (formerly Invitae), Labcorp
Classification: Likely benign for Cataract 21 multiple types; Ayme-Gripp syndrome. Last evaluated: 2025-05-16. Review status: criteria provided, single submitter. Criteria: Invitae Variant Classification Sherloc (09022015). Collection method: clinical testing. Allele origin: germline.

Laboratory of Genetics, Children's Clinical University Hospital Latvia
Classification: Likely benign. Last evaluated: 2025-02-16. Review status: criteria provided, single submitter. Criteria: ACMG Guidelines, 2015. Collection method: clinical testing. Allele origin: germline. Affected: yes.